The following is an entry in ClinVar:

ClinVar aggregate classification (germline): Likely benign (1 of 4 stars; one submission).

Allele frequency attached by ClinVar (database versions not stated): ExAC 0.00002; gnomAD exomes 0.00003; TOPMed 0.00008; gnomAD 0.00013 and 0.00015; 1000 Genomes Project 0.00020; 1000 Genomes Project 30x 0.00031.
gnomAD v4.1: 37 of 1,609,794 alleles (0.0023%); highest among the groups gnomAD compares: African/African-American, 0.035%; no homozygotes.

Submission:

GeneDx
Classification: Likely benign. Last evaluated: 2016-09-23. Review status: criteria provided, single submitter. Criteria: GeneDx Variant Classification (06012015). Collection method: clinical testing. Allele origin: germline. Affected: yes.
Comment: This variant is considered likely benign or benign based on one or more of the following criteria: it is a conservative change, it occurs at a poorly conserved position in the protein, it is predicted to be benign by multiple in silico algorithms, and/or has population frequency not consistent with disease.

NM_000023.4(SGCA):c.-23C>T

Gene: SGCA (sarcoglycan alpha; plus strand). Cytogenetic location: 17q21.33.
Variant type: single nucleotide variant.
Coding change: c.-23C>T on transcript NM_000023.4 (MANE Select); 23 bases upstream of the start codon, C replaced by T.
Molecular consequence: 5 prime UTR variant. On other transcripts: non-coding transcript variant (1).
Genome position (GRCh38, 1-based): chr17:50,166,018, C>T. VCF-style: chr17-50166018-C-T. GRCh37 (hg19) VCF-style: chr17-48243379-C-T.
Other names: c.-23C>T (NM_001135697.3).
Identifiers: ClinVar variation 389559 (VCV000389559.1), dbSNP rs575518404, ClinGen allele CA8643629.